The following is an entry in ClinVar:

NC_000007.13:g.(33390936_33392470)_(33407475_33423277)del

Gene: BBS9 (Bardet-Biedl syndrome 9; plus strand). Cytogenetic location: 7p14.3.
Variant type: Deletion.
Identifiers: ClinVar variation 3366386 (VCV003366386.1).

ClinVar aggregate classification (germline): Uncertain significance (1 of 4 stars; one submission).

Submission:

Women's Health and Genetics/Laboratory Corporation of America, LabCorp
Classification: Uncertain significance. Last evaluated: 2024-08-08. Review status: criteria provided, single submitter. Criteria: LabCorp Variant Classification Summary - May 2015. Collection method: clinical testing. Allele origin: germline.
Comment: Variant summary: The variant involves the deletion of exons 15-17 in the BBS9 gene. A presumed nomenclature of c.(1537+1_1538-1)_(1789+1_1790-1)del has been designated for the purposes of this classification. This Copy Number Variant (CNV) is predicted to result in an in-frame deletion within this gene. The variant was absent in 21636 control chromosomes. The available data on variant occurrences in the general population are insufficient to allow any conclusion about variant significance. To our knowledge, no occurrence of c.(1537+1_1538-1)_(1789+1_1790-1)del in individuals affected with Bardet-Biedl Syndrome and no experimental evidence demonstrating its impact on protein function have been reported. No submitters have cited clinical-significance assessments for this variant to ClinVar. Based on the evidence outlined above, the variant was classified as uncertain significance.